The following is an entry in ClinVar:

ClinVar aggregate classification (germline): Likely pathogenic (1 of 4 stars; one submission).

Conditions:
Congenital factor VII deficiency. Identifiers: Orphanet 327, MedGen C0272320, MONDO:0009211, OMIM 227500.

Submission:

Diagnostics Services (NGS), CSIR - Centre For Cellular And Molecular Biology
Classification: Likely pathogenic for Congenital factor VII deficiency. Last evaluated: 2022-04-13. Review status: criteria provided, single submitter. Criteria: ACMG Guidelines, 2015. Collection method: clinical testing. Allele origin: unknown. Inheritance: Autosomal recessive inheritance. Affected: yes. Observed: 1 variant allele, 1 heterozygote.
Comment: The c.937del variant is not present in publicly available population databases like 1000 Genomes, Exome Variant Server (EVS), Exome Aggregation Consortium (ExAC), Genome Aggregation Database (gnomAD) and Indian Exome Database. The variant is not present in our in-house exome database. The variant was not previously reported to ClinVar, HGMD or OMIM databases, in a any affected individuals. The variant is present at the last exon (exon 9) of F7 gene. In-silico pathogenicity prediction programs like MutationTaster2, CADD, Varsome etc. predicted these variants to be likely deleterious, however these predictions were not confirmed by any published functional studies. The variant causes frameshift at the 313th amino acid position of the wild-type transcript that creates a premature stop codon at the 365th amino acid position of the altered transcript which either translated into a truncated protein or may cause nonsense mediated decay of the mRNA.

NM_019616.4(F7):c.871del (p.Val291fs)

Gene: F7 (coagulation factor VII; plus strand). Cytogenetic location: 13q34.
Variant type: Deletion.
Coding change: c.871del on transcript NM_019616.4 (MANE Select); coding-DNA position 871, one base deleted (G; older notation c.871delG).
Protein change: p.Val291fs; shifts the reading frame from valine 291.
Molecular consequence: frameshift variant. On other transcripts: non-coding transcript variant (1).
Genome position (GRCh38, 1-based): chr13:113,118,544, G deleted; the last of 2 consecutive G bases (chr13:113,118,543-113,118,544); deleting either gives the same sequence. VCF-style (leftmost placement, unchanged base first): chr13-113118542-TG-T. GRCh37 (hg19) VCF-style: chr13-113772856-TG-T.
Other names: c.937delG, p.Val313Serfs (NM_000131.5); c.685del, p.Val229fs (NM_001267554.2); short protein forms V229fs, V291fs, V313fs.
Identifiers: ClinVar variation 1691296 (VCV001691296.4), dbSNP rs2142232898, ClinGen allele CA2573149505.